The following is an entry in ClinVar:

NM_000709.4(BCKDHA):c.906T>A (p.Asp302Glu)

Gene: BCKDHA (branched chain keto acid dehydrogenase E1 subunit alpha; plus strand). Cytogenetic location: 19q13.2.
Variant type: single nucleotide variant.
Coding change: c.906T>A on transcript NM_000709.4 (MANE Select); coding-DNA position 906, T replaced by A.
Protein change: p.Asp302Glu; replaces aspartic acid 302 with glutamic acid.
Molecular consequence: missense variant.
Genome position (GRCh38, 1-based): chr19:41,422,681, T>A. VCF-style: chr19-41422681-T-A. GRCh37 (hg19) VCF-style: chr19-41928586-T-A.
Other names: c.906T>A (NM_000709.3); c.903T>A, p.Asp301Glu (NM_001164783.2); short protein forms D301E, D302E.
Identifiers: ClinVar variation 2027052 (VCV002027052.5), dbSNP rs2513460454, ClinGen allele CA406013369.
Genomic context (GRCh38, chr19:41,422,681, plus strand): 5'-CCCCACAGCAGCACGAGGCCCCGGGTATGGCATCATGTCAATCCGCGTGGATGGTAATGA[T>A]GTGTTTGCCGTATACAACGCCACAAAGGAGGCCCGACGGCGGGCTGTGGCAGAGAACCAG-3'
Protein context (NP_000700.1, residues 292-312): GIMSIRVDGN[Asp302Glu]VFAVYNATKE

ClinVar aggregate classification (germline): Conflicting classifications of pathogenicity. Review status: criteria provided, conflicting classifications (1 of 4 stars). 2 submissions from 2 submitters: Likely pathogenic (1); Uncertain significance (1). Last evaluated 2022-10-21.

Conditions:
Maple syrup urine disease (MSUD). Identifiers: Orphanet 511, MedGen C0024776, MeSH D008375, MONDO:0009563. Disease mechanism: loss of function.

Submissions (2):

GeneDx
Classification: Uncertain significance. Last evaluated: 2022-10-21. Review status: criteria provided, single submitter. Criteria: GeneDx Variant Classification Process June 2021. Collection method: clinical testing. Allele origin: germline. Affected: yes.
Comment: Not observed at significant frequency in large population cohorts (gnomAD); In silico analysis supports that this missense variant has a deleterious effect on protein structure/function; Has not been previously published as pathogenic or benign to our knowledge

Labcorp Genetics (formerly Invitae), Labcorp
Classification: Likely pathogenic for Maple syrup urine disease. Last evaluated: 2022-08-25. Review status: criteria provided, single submitter. Criteria: Invitae Variant Classification Sherloc (09022015). Collection method: clinical testing. Allele origin: germline.
Comment: Advanced modeling of protein sequence and biophysical properties (such as structural, functional, and spatial information, amino acid conservation, physicochemical variation, residue mobility, and thermodynamic stability) performed at Invitae indicates that this missense variant is expected to disrupt BCKDHA protein function. In summary, the currently available evidence indicates that the variant is pathogenic, but additional data are needed to prove that conclusively. Therefore, this variant has been classified as Likely Pathogenic. This variant disrupts the p.Asp302 amino acid residue in BCKDHA. Other variant(s) that disrupt this residue have been determined to be pathogenic (PMID: 16786533, 31980395). This suggests that this residue is clinically significant, and that variants that disrupt this residue are likely to be disease-causing. This variant has not been reported in the literature in individuals affected with BCKDHA-related conditions. This variant is not present in population databases (gnomAD no frequency). This sequence change replaces aspartic acid, which is acidic and polar, with glutamic acid, which is acidic and polar, at codon 302 of the BCKDHA protein (p.Asp302Glu).

Literature cited by the submitters: PubMed 16786533 (cited by Labcorp Genetics (formerly Invitae), Labcorp); PubMed 31980395 (cited by Labcorp Genetics (formerly Invitae), Labcorp).